The following is an entry in ClinVar:

ClinVar aggregate classification (germline): Pathogenic. Review status: criteria provided, multiple submitters, no conflicts (2 of 4 stars). 2 submissions from 2 submitters: Pathogenic (2). Last evaluated 2025-09-03.

Conditions:
Duchenne muscular dystrophy (DMD). Also called: MUSCULAR DYSTROPHY, PSEUDOHYPERTROPHIC PROGRESSIVE, DUCHENNE TYPE; Duchenne Muscular Dystrophy (DMD). Identifiers: Orphanet 98896, MedGen C0013264, MONDO:0010679, OMIM 310200.

Submissions (2):

Labcorp Genetics (formerly Invitae), Labcorp
Classification: Pathogenic for Duchenne muscular dystrophy. Last evaluated: 2025-09-03. Review status: criteria provided, single submitter. Criteria: Invitae Variant Classification Sherloc (09022015). Collection method: clinical testing. Allele origin: germline.
Comment: This sequence change creates a premature translational stop signal (p.Gln803*) in the DMD gene. It is expected to result in an absent or disrupted protein product. Loss-of-function variants in DMD are known to be pathogenic (PMID: 16770791, 25007885). This variant is not present in population databases (gnomAD no frequency). This premature translational stop signal has been observed in individual(s) with Duchenne muscular dystrophy (PMID: 12398835, 16770791, 22144684). ClinVar contains an entry for this variant (Variation ID: 217184). For these reasons, this variant has been classified as Pathogenic.

Athena Diagnostics
Classification: Pathogenic for Duchenne muscular dystrophy. Last evaluated: 2013-12-13. Review status: criteria provided, single submitter. Criteria: Athena Diagnostics Criteria. Collection method: clinical testing. Allele origin: germline. Inheritance: X-linked recessive inheritance.
Comment: X-linked recessive inheritance

Literature cited by the submitters: PubMed 16770791 (cited by Labcorp Genetics (formerly Invitae), Labcorp); PubMed 25007885 (cited by Labcorp Genetics (formerly Invitae), Labcorp); PubMed 12398835 (cited by Labcorp Genetics (formerly Invitae), Labcorp and Athena Diagnostics); PubMed 22144684 (cited by Labcorp Genetics (formerly Invitae), Labcorp).

NM_004006.3(DMD):c.2407C>T (p.Gln803Ter)

Gene: DMD (dystrophin; minus strand). Cytogenetic location: Xp21.1.
Variant type: single nucleotide variant.
Coding change: c.2407C>T on transcript NM_004006.3 (MANE Select); coding-DNA position 2407, C replaced by T.
Protein change: p.Gln803Ter; replaces glutamine 803 with a stop codon.
Molecular consequence: nonsense.
Genome position (GRCh38, 1-based): chrX:32,491,492, G>A on the plus strand (C>T on the coding strand, the complement: DMD is on the minus strand). VCF-style: chrX-32491492-G-A. GRCh37 (hg19) VCF-style: chrX-32509609-G-A.
Other names: c.2383C>T, p.Gln795Ter (NM_000109.4); c.2395C>T, p.Gln799Ter (NM_004009.3); c.2038C>T, p.Gln680Ter (NM_004010.3); short protein forms Q803*, Q795*, Q799*, Q680*.
Identifiers: ClinVar variation 217184 (VCV000217184.10), dbSNP rs863224986, ClinGen allele CA347577.